The following is an entry in ClinVar:

NM_004006.3(DMD):c.9085-3579_9085-3566dup

Gene: DMD (dystrophin; minus strand). Cytogenetic location: Xp21.2.
Variant type: Duplication.
Coding change: c.9085-3579_9085-3566dup on transcript NM_004006.3 (MANE Select); 3579 bases into the intron before coding-DNA position 9085 through 3566 bases into the intron before coding-DNA position 9085, 14 bases duplicated (GGTATCACATTCTT).
Molecular consequence: intron variant.
Genome position (GRCh38, 1-based): chrX:31,352,200-31,352,213, AAGAATGTGATACC duplicated on the plus strand (GGTATCACATTCTT on the coding strand, the reverse complement: DMD is on the minus strand); duplicating any 14 consecutive bases within chrX:31,352,200-31,352,214 gives the same sequence; the c. name uses the placement nearest the transcript's 3' end. VCF-style (leftmost placement, unchanged base first): chrX-31352199-G-GAAGAATGTGATACC. GRCh37 (hg19) VCF-style: chrX-31370316-G-GAAGAATGTGATACC.
Other names: c.9061-3579_9061-3566dup (NM_000109.4); c.5062-3579_5062-3566dup (NM_004011.4); c.5053-3579_5053-3566dup (NM_004012.4); c.1705-3579_1705-3566dup (NM_004023.3, NM_004020.4, NM_004022.3 and 2 more transcripts); c.898-3579_898-3566dup (NM_004014.3); c.9073-3579_9073-3566dup (NM_004009.3); c.8716-3579_8716-3566dup (NM_004010.3); c.9085-3579_9085-3566dupGGTATCACATTCTT (NM_004006.3).
Identifiers: ClinVar variation 4277362 (VCV004277362.1).

ClinVar aggregate classification (germline): Likely pathogenic (1 of 4 stars; one submission).

Conditions:
Becker muscular dystrophy (BMD). Also called: MUSCULAR DYSTROPHY, PSEUDOHYPERTROPHIC PROGRESSIVE, BECKER TYPE; Becker Muscular Dystrophy (BMD). Identifiers: Orphanet 98895, MedGen C0917713, MONDO:0010311, OMIM 300376.

Submission:

Undiagnosed Diseases Network, NIH
Classification: Likely pathogenic for Becker muscular dystrophy. Last evaluated: 2025-04-14. Review status: criteria provided, single submitter. Criteria: ACMG Guidelines, 2015. Collection method: clinical testing. Allele origin: maternal. Affected: yes. Observed: 2 variant alleles, 1 heterozygote, 1 hemizygote. Study: Undiagnosed Diseases Network (NIH), UDN.
Comment: Transcriptional analysis from muscle revealed an unusual reduction in mRNA expression of DMD to about 30% of normal (Z score -2).